The following is an entry in ClinVar:

ClinVar aggregate classification (germline): Uncertain significance (1 of 4 stars; one submission).

Conditions:
Inborn genetic diseases. Identifiers: MedGen C0950123, MeSH D030342.

gnomAD v4.1: 3 of 1,595,458 alleles (0.00019%); highest among the groups gnomAD compares: Admixed American, 0.0034%; no homozygotes.

Submission:

Ambry Genetics
Classification: Uncertain significance for Inborn genetic diseases. Last evaluated: 2021-02-11. Review status: criteria provided, single submitter. Criteria: Ambry Variant Classification Scheme 2023. Collection method: clinical testing. Allele origin: germline.
Comment: The c.1138-6C>A intronic alteration consists of a C to A substitution 6 nucleotides before coding exon 8 in the CTNNA2 gene. Based on insufficient or conflicting evidence, the clinical significance of this alteration remains unclear.

NM_001282597.3(CTNNA2):c.1138-6C>A

Gene: CTNNA2 (catenin alpha 2; plus strand). Cytogenetic location: 2p12.
Variant type: single nucleotide variant.
Coding change: c.1138-6C>A on transcript NM_001282597.3 (MANE Select); 6 bases into the intron before coding-DNA position 1138, C replaced by A.
Molecular consequence: intron variant.
Genome position (GRCh38, 1-based): chr2:80,419,443, C>A. VCF-style: chr2-80419443-C-A. GRCh37 (hg19) VCF-style: chr2-80646568-C-A.
Other names: c.1138-6C>A (NM_001399737.1, NM_004389.4, NM_001164883.2); c.1240-6C>A (NM_001282598.2); c.34-6C>A (NM_001320810.2, NM_001282600.2); c.175-6C>A (NM_001282599.2).
Identifiers: ClinVar variation 2229117 (VCV002229117.2), dbSNP rs773219963, ClinGen allele CA1735564.